The following is an entry in ClinVar:

NM_018136.5(ASPM):c.5452C>T (p.Arg1818Cys)

Gene: ASPM (assembly factor for spindle microtubules; minus strand). Cytogenetic location: 1q31.3.
Variant type: single nucleotide variant.
Coding change: c.5452C>T on transcript NM_018136.5 (MANE Select); coding-DNA position 5452, C replaced by T.
Protein change: p.Arg1818Cys; replaces arginine 1818 with cysteine.
Molecular consequence: missense variant. On other transcripts: intron variant (1).
Genome position (GRCh38, 1-based): chr1:197,103,799, G>A on the plus strand (C>T on the coding strand, the complement: ASPM is on the minus strand). VCF-style: chr1-197103799-G-A. GRCh37 (hg19) VCF-style: chr1-197072929-G-A.
Other names: c.4066-7635C>T (NM_001206846.2); short protein forms R1818C.
Identifiers: ClinVar variation 157834 (VCV000157834.66), dbSNP rs41299625, ClinGen allele CA271059.

ClinVar aggregate classification (germline): Uncertain significance. Review status: criteria provided, multiple submitters, no conflicts (2 of 4 stars). 12 submissions from 12 submitters: Uncertain significance (10). 2 of the submissions do not count toward it. Last evaluated 2026-02-10.

Conditions:
ASPM-related disorder. Also called: ASPM-related condition.
Microcephaly 5, primary, autosomal recessive (MCPH5). Also called: ASPM Primary Microcephaly. Identifiers: Orphanet 2512, MedGen C1837501, MONDO:0012106, OMIM 608716.
Intellectual disability. Also called: Intellectual functioning disability; intellectual disabilities; Intellectual developmental disorder. Identifiers: MedGen C3714756, MeSH D008607, MONDO:0001071, HP:0001249.

Allele frequency attached by ClinVar (database versions not stated): gnomAD 0.00095; TOPMed 0.00111; 1000 Genomes Project 30x 0.00141; gnomAD exomes 0.00144; 1000 Genomes Project 0.00160; ESP Exome Variant Server 0.00162.
gnomAD v4.1: 2,273 of 1,612,936 alleles (0.14%); highest among the groups gnomAD compares: Non-Finnish European, 0.17%; 2 homozygotes.

Submissions (12):

GeneDx
Classification: Uncertain significance. Last evaluated: 2026-02-10. Review status: criteria provided, single submitter. Criteria: GeneDx Variant Classification Process June 2021. Collection method: clinical testing. Allele origin: germline. Affected: yes.
Comment: In silico analysis supports that this missense variant has a deleterious effect on protein structure/function; Missense variant in a gene in which most reported pathogenic variants are truncating/loss of function; This variant is associated with the following publications: (PMID: 19770472, 12355089, 23611254)

Labcorp Genetics (formerly Invitae), Labcorp
Classification: Uncertain significance. Last evaluated: 2025-01-17. Review status: criteria provided, single submitter. Criteria: Invitae Variant Classification Sherloc (09022015). Collection method: clinical testing. Allele origin: germline.
Comment: This sequence change replaces arginine, which is basic and polar, with cysteine, which is neutral and slightly polar, at codon 1818 of the ASPM protein (p.Arg1818Cys). This variant is present in population databases (rs41299625, gnomAD 0.2%), and has an allele count higher than expected for a pathogenic variant. This missense change has been observed in individual(s) with primary microcephaly (PMID: 23611254). ClinVar contains an entry for this variant (Variation ID: 157834). Invitae Evidence Modeling of protein sequence and biophysical properties (such as structural, functional, and spatial information, amino acid conservation, physicochemical variation, residue mobility, and thermodynamic stability) has been performed for this missense variant. However, the output from this modeling did not meet the statistical confidence thresholds required to predict the impact of this variant on ASPM protein function. In summary, the available evidence is currently insufficient to determine the role of this variant in disease. Therefore, it has been classified as a Variant of Uncertain Significance.

Genome-Nilou Lab
Classification: Uncertain significance for Microcephaly 5, primary, autosomal recessive. Last evaluated: 2023-04-11. Review status: criteria provided, single submitter. Criteria: ACMG Guidelines, 2015. Collection method: clinical testing. Allele origin: germline. Affected: no.

CeGaT Center for Human Genetics Tuebingen
Classification: Uncertain significance. Last evaluated: 2020-02-01. Review status: criteria provided, single submitter. Criteria: CeGaT Center For Human Genetics Tuebingen Variant Classification Criteria Version 2. Collection method: clinical testing. Allele origin: germline. Affected: yes. Observed: 1 variant allele.

Baylor Genetics
Classification: Uncertain significance for Microcephaly 5, primary, autosomal recessive. Last evaluated: 2018-12-24. Review status: criteria provided, single submitter. Criteria: ACMG Guidelines, 2015. Collection method: clinical testing. Allele origin: unknown. Affected: yes.
Comment: This variant was determined to be of uncertain significance according to ACMG Guidelines, 2015 [PMID:25741868].

Eurofins Ntd Llc (ga)
Classification: Uncertain significance. Last evaluated: 2018-06-11. Review status: criteria provided, single submitter. Criteria: EGL ClinVar v180209 classification definitions. Collection method: clinical testing. Allele origin: germline. Observed: 3 variant alleles, 3 heterozygotes.

Illumina Laboratory Services, Illumina
Classification: Uncertain significance for Microcephaly 5, primary, autosomal recessive. Last evaluated: 2018-01-13. Review status: criteria provided, single submitter. Criteria: ICSL Variant Classification Criteria 13 December 2019. Collection method: clinical testing. Allele origin: germline.

Geisinger Autism and Developmental Medicine Institute, Geisinger Health System
Classification: Uncertain significance for Microcephaly 5, primary, autosomal recessive. Last evaluated: 2017-06-28. Review status: criteria provided, single submitter. Criteria: ACMG Guidelines, 2015. Collection method: provider interpretation, clinical testing. Allele origin: paternal. Observed: 1 variant allele.
Comment: The p.Arg1818Cys is present at 0.11% in the gnomAD dataset. Computational models predict the variant to be damaging.

Genetic Services Laboratory, University of Chicago
Classification: Uncertain significance for Microcephaly 5, primary, autosomal recessive. Last evaluated: 2013-02-08. Review status: criteria provided, single submitter. Criteria: ACMG Guidelines, 2007. Collection method: clinical testing. Allele origin: germline. Inheritance: Autosomal recessive inheritance.

Breakthrough Genomics
Classification: Uncertain significance. Review status: criteria provided, single submitter. Criteria: ACMG Guidelines, 2015. Collection method: not provided. Allele origin: germline. Inheritance: Autosomal recessive inheritance. Affected: yes.

PreventionGenetics, part of Exact Sciences
Classification: Likely benign for ASPM-related condition. Last evaluated: 2020-01-13. Review status: no assertion criteria provided. Collection method: clinical testing. Allele origin: germline. Not counted in ClinVar's aggregate classification.
Comment: This variant is classified as likely benign based on ACMG/AMP sequence variant interpretation guidelines (Richards et al. 2015 PMID: 25741868, with internal and published modifications).

Centre de Biologie Pathologie Génétique, Centre Hospitalier Universitaire de Lille
Classification: Uncertain significance for Intellectual disability. Last evaluated: 2019-01-01. Review status: no assertion criteria provided. Collection method: clinical testing. Allele origin: unknown. Affected: yes. Not counted in ClinVar's aggregate classification.

Literature cited by the submitters: PubMed 23611254 (cited by Labcorp Genetics (formerly Invitae), Labcorp); PubMed 12355089 (cited by Geisinger Autism and Developmental Medicine Institute, Geisinger Health System); PubMed 19770472 (cited by Geisinger Autism and Developmental Medicine Institute, Geisinger Health System).